The following is an entry in ClinVar:

NM_001395413.1(POR):c.1874A>C (p.His625Pro)

Gene: POR (cytochrome p450 oxidoreductase; plus strand). Cytogenetic location: 7q11.23.
Variant type: single nucleotide variant.
Coding change: c.1874A>C on transcript NM_001395413.1 (MANE Select); coding-DNA position 1874, A replaced by C.
Protein change: p.His625Pro; replaces histidine 625 with proline.
Molecular consequence: missense variant.
Genome position (GRCh38, 1-based): chr7:75,986,226, A>C. VCF-style: chr7-75986226-A-C. GRCh37 (hg19) VCF-style: chr7-75615544-A-C.
Other names: c.1883A>C, p.His628Pro (NM_000941.2, NM_000941.3); c.1874A>C, p.His625Pro (NM_001367562.3, NM_001382657.2, NM_001382658.3 and 1 more transcripts); c.1928A>C, p.His643Pro (NM_001382655.3); c.1724A>C, p.His575Pro (NM_001382662.3); short protein forms H625P, H575P, H628P, H643P.
Identifiers: ClinVar variation 2735037 (VCV002735037.3), dbSNP rs2535415169, ClinGen allele CA367750888.

ClinVar aggregate classification (germline): Likely pathogenic (1 of 4 stars; one submission).

Conditions:
Congenital adrenal hyperplasia due to cytochrome P450 oxidoreductase deficiency. Also called: DISORDERED STEROIDOGENESIS DUE TO POR DEFICIENCY. Identifiers: Orphanet 95699, MedGen C1860042, MONDO:0013310, OMIM 613571.

Allele frequency attached by ClinVar (database versions not stated): gnomAD exomes 0.00001.
gnomAD v4.1: 8 of 1,612,642 alleles (0.0005%); highest among the groups gnomAD compares: Non-Finnish European, 0.00059%; no homozygotes.

Submission:

Labcorp Genetics (formerly Invitae), Labcorp
Classification: Likely pathogenic for Congenital adrenal hyperplasia due to cytochrome P450 oxidoreductase deficiency. Last evaluated: 2023-09-24. Review status: criteria provided, single submitter. Criteria: Invitae Variant Classification Sherloc (09022015). Collection method: clinical testing. Allele origin: germline.
Comment: This sequence change replaces histidine, which is basic and polar, with proline, which is neutral and non-polar, at codon 628 of the POR protein (p.His628Pro). In summary, the currently available evidence indicates that the variant is pathogenic, but additional data are needed to prove that conclusively. Therefore, this variant has been classified as Likely Pathogenic. Experimental studies have shown that this missense change affects POR function (PMID: 17505056). Advanced modeling of protein sequence and biophysical properties (such as structural, functional, and spatial information, amino acid conservation, physicochemical variation, residue mobility, and thermodynamic stability) performed at Invitae indicates that this missense variant is expected to disrupt POR protein function. This missense change has been observed in individual(s) with cytochrome P450 oxidoreductase deficiency (PMID: 22162478). In at least one individual the data is consistent with being in trans (on the opposite chromosome) from a pathogenic variant. This variant is not present in population databases (gnomAD no frequency).

Literature cited by the submitters: PubMed 17505056; PubMed 22162478.